The following is an entry in ClinVar:

ClinVar aggregate classification (germline): Uncertain significance (1 of 4 stars; one submission).

Conditions:
FOXC1-related anterior segment dysgenesis. Identifiers: MedGen CN323279, MONDO:0100235.

gnomAD v4.1: 1 of 1,537,990 alleles (0.000065%); highest among the groups gnomAD compares: East Asian, 0.0025%; no homozygotes.

Submission:

Victorian Clinical Genetics Services, Murdoch Childrens Research Institute
Classification: Uncertain significance for FOXC1-related anterior segment dysgenesis. Last evaluated: 2025-06-25. Review status: criteria provided, single submitter. Criteria: ACMG Guidelines, 2015. Collection method: clinical testing. Allele origin: germline. Affected: no.
Comment: This variant is classified as VUS-3B. Evidence in support of pathogenic classification: Variant is present in gnomAD <0.001 for a dominant condition (v4: 1 heterozygote(s), 0 homozygote(s)) ; Missense variant predicted to be damaging by in silico tool(s) or highly conserved with a major amino acid change. Additional information: Variant is predicted to result in a missense amino acid change from arginine to serine; This variant is heterozygous; This gene is associated with autosomal dominant disease; Alternative amino acid change(s) at the same position are present in gnomAD (Highest allele count: v4: 3 heterozygote(s), 0 homozygote(s)) ; This variant has no previous evidence of pathogenicity; No published segregation evidence has been identified for this variant; No published functional evidence has been identified for this variant; No comparable missense variants have previous evidence for pathogenicity; Variant is located in the annotated AD2 domain (PMID: 11782474); Loss of function is a known mechanism of disease in this gene and is associated with FOXC1-related anterior segment dysgenesis (MONDO:0100235); Variants in this gene are known to have variable expressivity. Variants in FOXC1 have been reported to demonstrate interfamilial and intrafamilial expressivity (PMIDs: 19513095; 31836490); Inheritance information for this variant is not currently available in this individual.

Literature cited by the submitters: PubMed 19513095; PubMed 11782474.

NM_001453.3(FOXC1):c.1405C>A (p.Arg469Ser)

Gene: FOXC1 (forkhead box C1; plus strand). Cytogenetic location: 6p25.3.
Variant type: single nucleotide variant.
Coding change: c.1405C>A on transcript NM_001453.3 (MANE Select); coding-DNA position 1405, C replaced by A.
Protein change: p.Arg469Ser; replaces arginine 469 with serine.
Molecular consequence: missense variant.
Genome position (GRCh38, 1-based): chr6:1,611,850, C>A. VCF-style: chr6-1611850-C-A. GRCh37 (hg19) VCF-style: chr6-1612085-C-A.
Other names: short protein forms R469S.
Identifiers: ClinVar variation 4532024 (VCV004532024.1).
Genomic context (GRCh38, chr6:1,611,850, plus strand): 5'-GGCGGCGGCGGCGGCGGGGGAGGCCAGGAGGCCGGCCACCACCCTGCGGCCCACCAAGGC[C>A]GCCTCACCTCGTGGTACCTGAACCAGGCGGGCGGAGACCTGGGCCACTTGGCGAGCGCGG-3'
Protein context (NP_001444.2, residues 459-479): AGHHPAAHQG[Arg469Ser]LTSWYLNQAG